The following is an entry in ClinVar:

ClinVar aggregate classification (germline): Likely benign (0 of 4 stars; one submission).

Conditions:
BLK-related disorder. Also called: BLK-related condition.

Submission:

PreventionGenetics, part of Exact Sciences
Classification: Likely benign for BLK-related condition. Last evaluated: 2020-08-04. Review status: no assertion criteria provided. Collection method: clinical testing. Allele origin: germline.
Comment: This variant is classified as likely benign based on ACMG/AMP sequence variant interpretation guidelines (Richards et al. 2015 PMID: 25741868, with internal and published modifications).

NC_000008.11:g.11564614T>C

Gene: BLK (BLK proto-oncogene, Src family tyrosine kinase). Cytogenetic location: 8p23.1.
Variant type: single nucleotide variant.
Genome position: GRCh38 VCF-style: chr8-11564614-T-C. GRCh37 (hg19) VCF-style: chr8-11422123-T-C.
Identifiers: ClinVar variation 3036683 (VCV003036683.2), dbSNP rs2486498063, ClinGen allele CA2740094967.